The following is an entry in ClinVar:

NM_018127.7(ELAC2):c.-2G>T

Gene: ELAC2 (elaC ribonuclease Z 2; minus strand). Cytogenetic location: 17p12.
Variant type: single nucleotide variant.
Coding change: c.-2G>T on transcript NM_018127.7 (MANE Select); 2 bases upstream of the start codon, G replaced by T.
Molecular consequence: 5 prime UTR variant.
Genome position (GRCh38, 1-based): chr17:13,017,949, C>A on the plus strand (G>T on the coding strand, the complement: ELAC2 is on the minus strand). VCF-style: chr17-13017949-C-A. GRCh37 (hg19) VCF-style: chr17-12921266-C-A.
Other names: c.-2G>T (NM_001165962.2, NM_173717.2).
Identifiers: ClinVar variation 4528271 (VCV004528271.1).

ClinVar aggregate classification (germline): Uncertain significance (1 of 4 stars; one submission).

gnomAD v4.1: 9 of 1,536,386 alleles (0.00059%); highest among the groups gnomAD compares: African/African-American, 0.011%; no homozygotes.

Submission:

GeneDx
Classification: Uncertain significance. Last evaluated: 2025-04-22. Review status: criteria provided, single submitter. Criteria: GeneDx Variant Classification Process June 2021. Collection method: clinical testing. Allele origin: germline. Affected: yes.
Comment: Has not been previously published as pathogenic or benign to our knowledge; Located in a regulatory region; in the absence of functional studies, the actual effect of this sequence change is unknown